The following is an entry in ClinVar:

ClinVar aggregate classification (germline): Benign/Likely benign. Review status: criteria provided, multiple submitters, no conflicts (2 of 4 stars). 2 submissions from 2 submitters: Benign (1); Likely benign (1). Last evaluated 2024-11-11.

Conditions:
Focal segmental glomerulosclerosis 2 (FSGS2). Identifiers: Orphanet 656, MedGen C1858915, MONDO:0011390, OMIM 603965.

Allele frequency attached by ClinVar (database versions not stated): 1000 Genomes Project 30x 0.00047; 1000 Genomes Project 0.00060; TOPMed 0.00169; gnomAD 0.00178 and 0.00190; ExAC 0.00189; gnomAD exomes 0.00201 and 0.00269; ESP Exome Variant Server 0.00261.
gnomAD v4.1: 4,171 of 1,613,534 alleles (0.26%); highest among the groups gnomAD compares: Non-Finnish European, 0.3%; 6 homozygotes.

Submissions (2):

Blueprint Genetics
Classification: Likely benign. Last evaluated: 2024-11-11. Review status: criteria provided, single submitter. Criteria: ACMG Guidelines, 2015. Collection method: clinical testing. Allele origin: germline.

Illumina Laboratory Services, Illumina
Classification: Benign for Focal segmental glomerulosclerosis 2. Last evaluated: 2018-01-13. Review status: criteria provided, single submitter. Criteria: ICSL Variant Classification Criteria 13 December 2019. Collection method: clinical testing. Allele origin: germline.
Comment: This variant was observed in the ICSL laboratory as part of a predisposition screen in an ostensibly healthy population. It had not been previously curated by ICSL or reported in the Human Gene Mutation Database (HGMD: prior to June 1st, 2018), and was therefore a candidate for classification through an automated scoring system. Utilizing variant allele frequency, disease prevalence and penetrance estimates, and inheritance mode, an automated score was calculated to assess if this variant is too frequent to cause the disease. Based on the score and internal cut-off values, a variant classified as benign is not then subjected to further curation. The score for this variant resulted in a classification of benign for this disease.

NM_004621.6(TRPC6):c.*9C>T

Gene: TRPC6 (transient receptor potential cation channel subfamily C member 6; minus strand). Cytogenetic location: 11q22.1.
Variant type: single nucleotide variant.
Coding change: c.*9C>T on transcript NM_004621.6 (MANE Select); 9 bases downstream of the stop codon, C replaced by T.
Molecular consequence: 3 prime UTR variant.
Genome position (GRCh38, 1-based): chr11:101,452,946, G>A on the plus strand (C>T on the coding strand, the complement: TRPC6 is on the minus strand). VCF-style: chr11-101452946-G-A. GRCh37 (hg19) VCF-style: chr11-101323677-G-A.
Identifiers: ClinVar variation 301897 (VCV000301897.6), dbSNP rs187970274, ClinGen allele CA6244014.